The following is an entry in ClinVar:

NM_020832.3(ZNF687):c.3049G>T (p.Glu1017Ter)

Gene: ZNF687 (zinc finger protein 687; plus strand). Cytogenetic location: 1q21.3.
Variant type: single nucleotide variant.
Coding change: c.3049G>T on transcript NM_020832.3 (MANE Select); coding-DNA position 3049, G replaced by T.
Protein change: p.Glu1017Ter; replaces glutamic acid 1017 with a stop codon.
Molecular consequence: nonsense.
Genome position (GRCh38, 1-based): chr1:151,290,206, G>T. VCF-style: chr1-151290206-G-T. GRCh37 (hg19) VCF-style: chr1-151262682-G-T.
Other names: c.3049G>T, p.Glu1017Ter (NM_001304763.2, NM_001304764.2); short protein forms E1017*.
Identifiers: ClinVar variation 2626992 (VCV002626992.1), dbSNP rs1557774479, ClinGen allele CA341958673.

ClinVar aggregate classification (germline): Uncertain significance (1 of 4 stars; one submission).

Submission:

Greenwood Genetic Center Diagnostic Laboratories, Greenwood Genetic Center
Classification: Uncertain significance. Last evaluated: 2023-07-20. Review status: criteria provided, single submitter. Criteria: ACMG Guidelines, 2015. Collection method: clinical testing. Allele origin: germline. Affected: yes.
Comment: Gene of Uncertain Significance for LOF changes